The following is an entry in ClinVar:

NM_000159.4(GCDH):c.128-3_129del

Genes: GCDH (glutaryl-CoA dehydrogenase; plus strand), LOC117125594 (CRISPRi-FlowFISH-validated KLF1 regulatory element; plus strand). Cytogenetic location: 19p13.13.
Variant type: Deletion.
Coding change: c.128-3_129del on transcript NM_000159.4 (MANE Select); 3 bases into the intron before coding-DNA position 128 through coding-DNA position 129, 5 bases deleted (CAGCC; older notation c.128-3_129delCAGCC).
Molecular consequence: splice acceptor variant. On other transcripts: non-coding transcript variant (1).
Genome position (GRCh38, 1-based): chr19:12,891,828-12,891,832, CAGCC deleted; deleting any 5 consecutive bases within chr19:12,891,826-12,891,832 gives the same sequence; the c. name uses the placement nearest the transcript's 3' end. VCF-style (leftmost placement, unchanged base first): chr19-12891825-TCCCAG-T. GRCh37 (hg19) VCF-style: chr19-13002639-TCCCAG-T.
Other names: c.128-3_129del (NM_013976.5).
Identifiers: ClinVar variation 4068535 (VCV004068535.2).

ClinVar aggregate classification (germline): Likely pathogenic (1 of 4 stars; one submission).

Conditions:
Glutaric aciduria, type 1. Also called: GA I; Glutaryl-CoA dehydrogenase deficiency; Glutaric acidemia type I; Glutaricacidemia Type 1; Glutaricaciduria, type I; Glutaric Acidemia Type 1. Identifiers: Orphanet 25, MedGen C0268595, MONDO:0009281, OMIM 231670.

Submission:

Natera, Inc.
Classification: Likely pathogenic for Glutaric acidemia type 1. Last evaluated: 2025-05-08. Review status: criteria provided, single submitter. Criteria: Natera Variant Classification Schema (03/2026). Collection method: clinical testing. Allele origin: germline.
Comment: The c.128-3_129del variant in GCDH is a frameshift variant predicted to shift the reading frame and introduce a stop codon. This variant is expected to result in nonsense mediated decay, truncation, or a dysfunctional protein product. This variant is rare in the general population with a frequency below the threshold expected for the associated phenotype(s). Given the available evidence, this variant is classified as Likely Pathogenic.